The following is an entry in ClinVar:

NM_000188.3(HK1):c.267del (p.Arg91fs)

Gene: HK1 (hexokinase 1; plus strand). Cytogenetic location: 10q22.1.
Variant type: Deletion.
Coding change: c.267del on transcript NM_000188.3 (MANE Select); coding-DNA position 267, one base deleted (C; older notation c.267delC).
Protein change: p.Arg91fs; shifts the reading frame from arginine 91.
Molecular consequence: frameshift variant.
Genome position (GRCh38, 1-based): chr10:69,359,937, C deleted; the last of 2 consecutive C bases (chr10:69,359,936-69,359,937); deleting either gives the same sequence. VCF-style (leftmost placement, unchanged base first): chr10-69359935-TC-T. GRCh37 (hg19) VCF-style: chr10-71119691-TC-T.
Other names: c.279del, p.Arg95fs (NM_001322364.2, NM_001358263.1, NM_033497.3 and 1 more transcripts); c.372del, p.Arg126fs (NM_001322365.2); c.183del, p.Arg63fs (NM_001322366.1); c.267del, p.Arg91fs (NM_001322367.1); c.264del, p.Arg90fs (NM_033496.3); c.231del, p.Arg79fs (NM_033500.2); short protein forms R63fs, R79fs, R90fs, R126fs, R95fs, R91fs.
Identifiers: ClinVar variation 2038014 (VCV002038014.4), dbSNP rs2540327612, ClinGen allele CA2580081755.
Genomic context (GRCh38, chr10:69,359,935, plus strand): 5'-TACCTGTTGTCTCCCTAAACAGAAAAGGGAGATTTCATTGCCCTGGATCTTGGTGGGTCT[TC>T]CTTTCGAATTCTGCGGGTGCAAGTGAATCATGAGAAAAACCAGAATGTTCACATGGAGTC-3'

ClinVar aggregate classification (germline): Pathogenic (1 of 4 stars; one submission).

Submission:

Labcorp Genetics (formerly Invitae), Labcorp
Classification: Pathogenic. Last evaluated: 2022-07-12. Review status: criteria provided, single submitter. Criteria: Invitae Variant Classification Sherloc (09022015). Collection method: clinical testing. Allele origin: germline.
Comment: For these reasons, this variant has been classified as Pathogenic. This variant has not been reported in the literature in individuals affected with HK1-related conditions. This variant is not present in population databases (gnomAD no frequency). This sequence change creates a premature translational stop signal (p.Arg91Glufs*7) in the HK1 gene. It is expected to result in an absent or disrupted protein product. Loss-of-function variants in HK1 are known to be pathogenic (PMID: 11783948, 12211198, 31119733).

Literature cited by the submitters: PubMed 11783948; PubMed 12211198; PubMed 31119733.